The following is an entry in ClinVar:

ClinVar aggregate classification (germline): Pathogenic (1 of 4 stars; one submission).

Conditions:
Hereditary cancer-predisposing syndrome. Also called: Hereditary neoplastic syndrome; Neoplastic Syndromes, Hereditary; Tumor predisposition; Hereditary Cancer Syndrome. Identifiers: Orphanet 140162, MedGen C0027672, MeSH D009386, MONDO:0015356.

Submission:

Ambry Genetics
Classification: Pathogenic for Hereditary cancer-predisposing syndrome. Last evaluated: 2025-03-13. Review status: criteria provided, single submitter. Criteria: Ambry Variant Classification Scheme 2023. Collection method: clinical testing. Allele origin: germline.
Comment: The c.1094delA pathogenic mutation, located in coding exon 9 of the CHEK2 gene, results from a deletion of one nucleotide at nucleotide position 1094, causing a translational frameshift with a predicted alternate stop codon (p.K365Rfs*17). This variant is considered to be rare based on population cohorts in the Genome Aggregation Database (gnomAD). This alteration is expected to result in loss of function by premature protein truncation or nonsense-mediated mRNA decay. As such, this alteration is interpreted as a disease-causing mutation.

NM_007194.4(CHEK2):c.1094del (p.Lys365fs)

Gene: CHEK2 (checkpoint kinase 2; minus strand). Cytogenetic location: 22q12.1.
Variant type: Deletion.
Coding change: c.1094del on transcript NM_007194.4 (MANE Select); coding-DNA position 1094, one base deleted (A; older notation c.1094delA).
Protein change: p.Lys365fs; shifts the reading frame from lysine 365.
Molecular consequence: frameshift variant. On other transcripts: intron variant (3).
Genome position (GRCh38, 1-based): chr22:28,696,902, T deleted on the plus strand (A on the coding strand, the reverse complement: CHEK2 is on the minus strand); the first of 3 consecutive T bases (chr22:28,696,902-28,696,904); deleting any one gives the same sequence. VCF-style (leftmost placement, unchanged base first): chr22-28696901-CT-C. GRCh37 (hg19) VCF-style: chr22-29092889-CT-C.
Other names: c.1223del, p.Lys408fs (NM_001005735.3); c.431del, p.Lys144fs (NM_001257387.3, NM_001437942.1); c.893del, p.Lys298fs (NM_001349956.3); c.1187del, p.Lys396fs (NM_001438293.1); c.1009-1029del (NM_145862.3); c.1102-1029del (NM_001438295.1); c.1138-1029del (NM_001438294.1); short protein forms K144fs, K298fs, K365fs, K408fs, K396fs.
Identifiers: ClinVar variation 3832951 (VCV003832951.1).